The following is an entry in ClinVar:

ClinVar aggregate classification (germline): Pathogenic (1 of 4 stars; one submission).

Conditions:
Deficiency of 2-methylbutyryl-CoA dehydrogenase (ACADSB). Also called: 2-methylbutyryl-CoA dehydrogenase deficiency; SBCAD deficiency; 2-methylbutyric aciduria; Short branched-chain acyl-CoA dehydrogenase deficiency; 2-methylbutyrylglycinuria. Identifiers: Orphanet 79157, MedGen C1864912, MONDO:0012392, OMIM 610006, HP:0020147.

Submission:

Labcorp Genetics (formerly Invitae), Labcorp
Classification: Pathogenic for Deficiency of 2-methylbutyryl-CoA dehydrogenase. Last evaluated: 2023-10-23. Review status: criteria provided, single submitter. Criteria: Invitae Variant Classification Sherloc (09022015). Collection method: clinical testing. Allele origin: unknown.
Comment: A gross deletion of the genomic region encompassing the full coding sequence of the ACADSB gene has been identified. Loss-of-function variants in ACADSB are known to be pathogenic (PMID: 20547083, 26284228). The boundaries of this event are unknown as they extend beyond the assayed region for this gene and therefore may encompass additional genes. This variant has not been reported in the literature in individuals affected with ACADSB-related conditions. For these reasons, this variant has been classified as Pathogenic.

Literature cited by the submitters: PubMed 20547083; PubMed 26284228.

NC_000010.10:g.(?_122842033)_(124813281_?)del

Genes: CUZD1 (CUB and zona pellucida like domains 1; minus strand), DMBT1 (deleted in malignant brain tumors 1; plus strand), C10orf88 (chromosome 10 open reading frame 88; minus strand), BTBD16 (BTB domain containing 16; plus strand), NSMCE4A (NSE4A component of SMC5/6 complex; minus strand) and 12 more. Cytogenetic location: 10q26.12-26.13.
Variant type: Deletion.
Identifiers: ClinVar variation 3244863 (VCV003244863.1).